The following is an entry in ClinVar:

NM_000434.4(NEU1):c.934G>A (p.Glu312Lys)

Gene: NEU1 (neuraminidase 1; minus strand). Cytogenetic location: 6p21.33.
Variant type: single nucleotide variant.
Coding change: c.934G>A on transcript NM_000434.4 (MANE Select); coding-DNA position 934, G replaced by A.
Protein change: p.Glu312Lys; replaces glutamic acid 312 with lysine.
Molecular consequence: missense variant.
Genome position (GRCh38, 1-based): chr6:31,860,129, C>T on the plus strand (G>A on the coding strand, the complement: NEU1 is on the minus strand). VCF-style: chr6-31860129-C-T. GRCh37 (hg19) VCF-style: chr6-31827906-C-T.
Other names: short protein forms E312K.
Identifiers: ClinVar variation 435973 (VCV000435973.15), dbSNP rs1554252319, ClinGen allele CA363488007.

ClinVar aggregate classification (germline): Uncertain significance. Review status: criteria provided, multiple submitters, no conflicts (2 of 4 stars). 2 submissions from 2 submitters: Uncertain significance (2). Last evaluated 2019-04-18.

Submissions (2):

Labcorp Genetics (formerly Invitae), Labcorp
Classification: Uncertain significance. Last evaluated: 2019-04-18. Review status: criteria provided, single submitter. Criteria: Invitae Variant Classification Sherloc (09022015). Collection method: clinical testing. Allele origin: germline.
Comment: Algorithms developed to predict the effect of missense changes on protein structure and function (SIFT, PolyPhen-2, Align-GVGD) all suggest that this variant is likely to be tolerated, but these predictions have not been confirmed by published functional studies and their clinical significance is uncertain. In summary, the available evidence is currently insufficient to determine the role of this variant in disease. Therefore, it has been classified as a Variant of Uncertain Significance. This variant has not been reported in the literature in individuals with NEU1-related conditions. ClinVar contains an entry for this variant (Variation ID: 435973). This sequence change replaces glutamic acid with lysine at codon 312 of the NEU1 protein (p.Glu312Lys). The glutamic acid residue is highly conserved and there is a small physicochemical difference between glutamic acid and lysine. This variant is not present in population databases (ExAC no frequency).

Genetic Services Laboratory, University of Chicago
Classification: Uncertain significance. Last evaluated: 2016-07-26. Review status: criteria provided, single submitter. Criteria: ACMG Guidelines, 2015. Collection method: clinical testing. Allele origin: germline. Affected: no.